The following is an entry in ClinVar:

ClinVar aggregate classification (germline): Uncertain significance. Review status: criteria provided, multiple submitters, no conflicts (2 of 4 stars). 2 submissions from 2 submitters: Uncertain significance (2). Last evaluated 2022-09-06.

Conditions:
Leber congenital amaurosis 3 (LCA3). Also called: SPATA7-Related Retinitis Pigmentosa. Identifiers: MedGen C1858677, MONDO:0011415, OMIM 604232.

Allele frequency attached by ClinVar (database versions not stated): gnomAD exomes below 0.00001; TOPMed below 0.00001; gnomAD 0.00001; 1000 Genomes Project 30x 0.00016; 1000 Genomes Project 0.00020.
gnomAD v4.1: 5 of 1,614,126 alleles (0.00031%); highest among the groups gnomAD compares: East Asian, 0.0067%; no homozygotes.

Submissions (2):

Blueprint Genetics
Classification: Uncertain significance. Last evaluated: 2022-09-06. Review status: criteria provided, single submitter. Criteria: ACMG Guidelines, 2015. Collection method: clinical testing. Allele origin: germline.

Labcorp Genetics (formerly Invitae), Labcorp
Classification: Uncertain significance for Leber congenital amaurosis 3. Last evaluated: 2021-03-15. Review status: criteria provided, single submitter. Criteria: Invitae Variant Classification Sherloc (09022015). Collection method: clinical testing. Allele origin: germline.
Comment: In summary, the available evidence is currently insufficient to determine the role of this variant in disease. Therefore, it has been classified as a Variant of Uncertain Significance. Algorithms developed to predict the effect of missense changes on protein structure and function are either unavailable or do not agree on the potential impact of this missense change (SIFT: "Deleterious"; PolyPhen-2: "Probably Damaging"; Align-GVGD: "Class C0"). This variant has not been reported in the literature in individuals with SPATA7-related conditions. This variant is not present in population databases (ExAC no frequency). This sequence change replaces tyrosine with cysteine at codon 258 of the SPATA7 protein (p.Tyr258Cys). The tyrosine residue is highly conserved and there is a large physicochemical difference between tyrosine and cysteine.

NM_018418.5(SPATA7):c.773A>G (p.Tyr258Cys)

Gene: SPATA7 (spermatogenesis associated 7; plus strand). Cytogenetic location: 14q31.3.
Variant type: single nucleotide variant.
Coding change: c.773A>G on transcript NM_018418.5 (MANE Select); coding-DNA position 773, A replaced by G.
Protein change: p.Tyr258Cys; replaces tyrosine 258 with cysteine.
Molecular consequence: missense variant.
Genome position (GRCh38, 1-based): chr14:88,426,632, A>G. VCF-style: chr14-88426632-A-G. GRCh37 (hg19) VCF-style: chr14-88892976-A-G.
Other names: c.677A>G, p.Tyr226Cys (NM_001040428.4); short protein forms Y258C, Y226C.
Identifiers: ClinVar variation 1449658 (VCV001449658.9), dbSNP rs546453565, ClinGen allele CA264534776.